The following is an entry in ClinVar:

ClinVar aggregate classification (germline): Uncertain significance. Review status: criteria provided, multiple submitters, no conflicts (2 of 4 stars). 2 submissions from 2 submitters: Uncertain significance (2). Last evaluated 2023-08-31.

Conditions:
Cardiovascular phenotype. Identifiers: MedGen CN230736.

Submissions (2):

GeneDx
Classification: Uncertain significance. Last evaluated: 2023-08-31. Review status: criteria provided, single submitter. Criteria: GeneDx Variant Classification Process June 2021. Collection method: clinical testing. Allele origin: germline.
Comment: Not observed at significant frequency in large population cohorts (gnomAD); Missense variant in a gene in which most reported pathogenic variants are truncating/loss of function; Has not been previously published as pathogenic or benign to our knowledge; Located in a region of TTN within the I-band in which the majority of loss of function variants are significantly associated with autosomal dominant titinopathies (Deo et al., 2016; Schafer et al., 2017)

Ambry Genetics
Classification: Uncertain significance for Cardiovascular phenotype. Last evaluated: 2020-01-17. Review status: criteria provided, single submitter. Criteria: Ambry Variant Classification Scheme 2023. Collection method: clinical testing. Allele origin: germline.
Comment: The p.K1624R variant (also known as c.4871A>G), located in coding exon 26 of the TTN gene, results from an A to G substitution at nucleotide position 4871. The lysine at codon 1624 is replaced by arginine, an amino acid with highly similar properties. This amino acid position is highly conserved in available vertebrate species. In addition, this alteration is predicted to be tolerated by in silico analysis. Since supporting evidence is limited at this time, the clinical significance of this alteration remains unclear.

NM_001267550.2(TTN):c.5009A>G (p.Lys1670Arg)

Gene: TTN (titin; minus strand). Cytogenetic location: 2q31.2.
Variant type: single nucleotide variant.
Coding change: c.5009A>G on transcript NM_001267550.2 (MANE Select); coding-DNA position 5009, A replaced by G.
Protein change: p.Lys1670Arg; replaces lysine 1670 with arginine.
Molecular consequence: missense variant.
Genome position (GRCh38, 1-based): chr2:178,776,855, T>C on the plus strand (A>G on the coding strand, the complement: TTN is on the minus strand). VCF-style: chr2-178776855-T-C. GRCh37 (hg19) VCF-style: chr2-179641582-T-C.
Other names: c.5009A>G, p.Lys1670Arg (NM_001256850.1, NM_133378.4, NM_133379.5); c.4871A>G, p.Lys1624Arg (NM_003319.4, NM_133432.3, NM_133437.4); short protein forms K1624R, K1670R.
Identifiers: ClinVar variation 1743721 (VCV001743721.4), dbSNP rs2532900889, ClinGen allele CA349457959.